The following is an entry in ClinVar:

GRCh37/hg19 14q21.1(chr14:39615245-39625047)x1

Gene: TRAPPC6B (trafficking protein particle complex subunit 6B; minus strand). Cytogenetic location: 14q21.1.
Variant type: copy number loss.
Change: copy number 1 (one copy instead of two) of chr14:39,615,245-39,625,047 (9.8 kb, GRCh37 coordinates, 1-based), cytogenetic band 14q21.1.
Identifiers: ClinVar variation 988920 (VCV000988920.4).

ClinVar aggregate classification (germline): Likely pathogenic (1 of 4 stars; one submission).

Submission:

Illumina Laboratory Services, Illumina
Classification: Likely pathogenic. Last evaluated: 2020-11-09. Review status: criteria provided, single submitter. Criteria: ICSL CNVClassificationCriteria Aug2020. Collection method: clinical testing. Allele origin: unknown.
Comment: This CNV is an approximately 10 kb deletion of 14q21.1, on chromosome 14, (seq[GRCh37]del(14)(q21.1); chr14:g.39615245_39625047del) which is inherited. This CNV constitutes a loss encompassing exons 4-6 of the TRAPPC6 gene. While other loss of function variants have been reported in this gene in association with TRAPPC6-related neurodevelopmental disorders, no CNVs have been reported in the literature (Nair et al. 2020). The CNV is absent from the Genome Aggregation Database and the Database of Genomic Variants (DGV) (MacDonald et al. 2014). Based on the evidence, this CNV is classified as likely pathogenic.

Literature cited by the submitters: PubMed 24174537; PubMed 31687267.